The following is an entry in ClinVar:

NM_172362.3(KCNH1):c.440-3C>T

Gene: KCNH1 (potassium voltage-gated channel subfamily H member 1; minus strand). Cytogenetic location: 1q32.2.
Variant type: single nucleotide variant.
Coding change: c.440-3C>T on transcript NM_172362.3 (MANE Select); 3 bases into the intron before coding-DNA position 440, C replaced by T.
Molecular consequence: intron variant.
Genome position (GRCh38, 1-based): chr1:211,082,901, G>A on the plus strand (C>T on the coding strand, the complement: KCNH1 is on the minus strand). VCF-style: chr1-211082901-G-A. GRCh37 (hg19) VCF-style: chr1-211256243-G-A.
Other names: c.440-3C>T (NM_002238.4).
Identifiers: ClinVar variation 3022118 (VCV003022118.3), dbSNP rs752561645, ClinGen allele CA1380022.

ClinVar aggregate classification (germline): Uncertain significance (1 of 4 stars; one submission).

Allele frequency attached by ClinVar (database versions not stated): ExAC 0.00001; gnomAD exomes below 0.00001; gnomAD 0.00001.
gnomAD v4.1: 4 of 1,610,756 alleles (0.00025%); highest among the groups gnomAD compares: African/African-American, 0.0027%; no homozygotes.

Submission:

Labcorp Genetics (formerly Invitae), Labcorp
Classification: Uncertain significance. Last evaluated: 2025-10-13. Review status: criteria provided, single submitter. Criteria: Invitae Variant Classification Sherloc (09022015). Collection method: clinical testing. Allele origin: germline.
Comment: This sequence change falls in intron 4 of the KCNH1 gene. It does not directly change the encoded amino acid sequence of the KCNH1 protein. It affects a nucleotide within the consensus splice site. This variant is present in population databases (rs752561645, gnomAD 0.008%). This variant has not been reported in the literature in individuals affected with KCNH1-related conditions. ClinVar contains an entry for this variant (Variation ID: 3022118). Variants that disrupt the consensus splice site are a relatively common cause of aberrant splicing (PMID: 17576681, 9536098). Algorithms developed to predict the effect of sequence changes on RNA splicing suggest that this variant is not likely to affect RNA splicing. In summary, the available evidence is currently insufficient to determine the role of this variant in disease. Therefore, it has been classified as a Variant of Uncertain Significance.

Literature cited by the submitters: PubMed 17576681; PubMed 9536098.